The following is an entry in ClinVar:

NM_014319.5(LEMD3):c.748G>T (p.Val250Phe)

Gene: LEMD3 (LEM domain containing 3; plus strand). Cytogenetic location: 12q14.3.
Variant type: single nucleotide variant.
Coding change: c.748G>T on transcript NM_014319.5 (MANE Select); coding-DNA position 748, G replaced by T.
Protein change: p.Val250Phe; replaces valine 250 with phenylalanine.
Molecular consequence: missense variant.
Genome position (GRCh38, 1-based): chr12:65,170,344, G>T. VCF-style: chr12-65170344-G-T. GRCh37 (hg19) VCF-style: chr12-65564124-G-T.
Other names: c.748G>T, p.Val250Phe (NM_001167614.2); short protein forms V250F.
Identifiers: ClinVar variation 3001178 (VCV003001178.3), dbSNP rs1232441913, ClinGen allele CA385673872.

ClinVar aggregate classification (germline): Uncertain significance (1 of 4 stars; one submission).

Allele frequency attached by ClinVar (database versions not stated): gnomAD 0.00001; gnomAD exomes 0.00001; TOPMed 0.00001.
gnomAD v4.1: 8 of 1,607,670 alleles (0.0005%); highest among the groups gnomAD compares: Non-Finnish European, 0.00068%; no homozygotes.

Submission:

Labcorp Genetics (formerly Invitae), Labcorp
Classification: Uncertain significance. Last evaluated: 2024-02-23. Review status: criteria provided, single submitter. Criteria: Invitae Variant Classification Sherloc (09022015). Collection method: clinical testing. Allele origin: germline.
Comment: This sequence change replaces valine, which is neutral and non-polar, with phenylalanine, which is neutral and non-polar, at codon 250 of the LEMD3 protein (p.Val250Phe). The frequency data for this variant in the population databases is considered unreliable, as metrics indicate poor data quality at this position in the gnomAD database. This variant has not been reported in the literature in individuals affected with LEMD3-related conditions. Advanced modeling of protein sequence and biophysical properties (such as structural, functional, and spatial information, amino acid conservation, physicochemical variation, residue mobility, and thermodynamic stability) performed at Invitae indicates that this missense variant is not expected to disrupt LEMD3 protein function with a negative predictive value of 80%. Algorithms developed to predict the effect of sequence changes on RNA splicing suggest that this variant may create or strengthen a splice site. In summary, the available evidence is currently insufficient to determine the role of this variant in disease. Therefore, it has been classified as a Variant of Uncertain Significance.